The following is an entry in ClinVar:

NM_024426.6(WT1):c.628T>G (p.Cys210Gly)

Genes: WT1 (WT1 transcription factor; minus strand), LOC107982234 (WT1/WT1-AS bi-directional promoter region; plus strand). Cytogenetic location: 11p13.
Variant type: single nucleotide variant.
Coding change: c.628T>G on transcript NM_024426.6 (MANE Select); coding-DNA position 628, T replaced by G.
Protein change: p.Cys210Gly; replaces cysteine 210 with glycine.
Molecular consequence: missense variant. On other transcripts: non-coding transcript variant (1).
Genome position (GRCh38, 1-based): chr11:32,434,733, A>C on the plus strand (T>G on the coding strand, the complement: WT1 is on the minus strand). VCF-style: chr11-32434733-A-C. GRCh37 (hg19) VCF-style: chr11-32456279-A-C.
Other names: c.628T>G, p.Cys210Gly (NM_000378.6, NM_024424.5); short protein forms C210G.
Identifiers: ClinVar variation 861660 (VCV000861660.14), dbSNP rs776426005, ClinGen allele CA065132.

ClinVar aggregate classification (germline): Conflicting classifications of pathogenicity. Review status: criteria provided, conflicting classifications (1 of 4 stars). 5 submissions from 4 submitters: Uncertain significance (4); Likely benign (1). Last evaluated 2025-10-15.

Conditions:
Nephrotic syndrome, type 4 (NPHS4). Also called: Familial mesangial sclerosis; Nephrotic syndrome, early onset with diffuse mesangial sclerosis. Identifiers: Orphanet 656, MedGen C3151568, MONDO:0009733, OMIM 256370.
Mesothelioma, malignant (MESOM). Also called: Malignant mesothelioma (disease). Identifiers: Orphanet 50251, MedGen C0345967, MONDO:0006292, OMIM 156240, HP:0100001.
Frasier syndrome. Identifiers: Orphanet 347, MedGen C0950122, MeSH D052159, MONDO:0007635, OMIM 136680.
Drash syndrome (DDS). Also called: WILMS TUMOR AND PSEUDO- OR TRUE HERMAPHRODITISM; NEPHROPATHY, WILMS TUMOR, AND GENITAL ANOMALIES. Identifiers: Orphanet 220, MedGen C0950121, MONDO:0008682, OMIM 194080.
Meacham syndrome. Also called: Meacham Winn Culler syndrome. Identifiers: Orphanet 3097, MedGen C1837026, MONDO:0012164, OMIM 608978.
Wilms tumor 1 (WT1). Also called: Wilms tumor, somatic. Identifiers: Orphanet 654, MedGen CN033288, MONDO:0008679, OMIM 194070.
11p partial monosomy syndrome (WAGR). Also called: WAGR syndrome; CHROMOSOME 11p13 DELETION SYNDROME; WAGR Complex; WAGR Spectrum Disorder. Identifiers: Orphanet 893, MedGen C0206115, MONDO:0008681, OMIM 194072.
Aniridia 1 (AN1). Identifiers: Orphanet 250923, MedGen C0344542, MONDO:0024507, OMIM 106210.
Inborn genetic diseases. Identifiers: MedGen C0950123, MeSH D030342.

Allele frequency attached by ClinVar (database versions not stated): ExAC 0.00001; gnomAD exomes 0.00001 and 0.00002; TOPMed 0.00001.
gnomAD v4.1: 6 of 1,613,002 alleles (0.00037%); highest among the groups gnomAD compares: Admixed American, 0.01%; no homozygotes.

Submissions (5):

Labcorp Genetics (formerly Invitae), Labcorp
Classification: Uncertain significance for Wilms tumor 1; Drash syndrome; 11p partial monosomy syndrome; Frasier syndrome. Last evaluated: 2025-10-15. Review status: criteria provided, single submitter. Criteria: Invitae Variant Classification Sherloc (09022015). Collection method: clinical testing. Allele origin: germline.
Comment: This sequence change replaces cysteine, which is neutral and slightly polar, with glycine, which is neutral and non-polar, at codon 205 of the WT1 protein (p.Cys205Gly). This variant is present in population databases (rs776426005, gnomAD 0.01%). This variant has not been reported in the literature in individuals affected with WT1-related conditions. ClinVar contains an entry for this variant (Variation ID: 861660). Invitae Evidence Modeling of protein sequence and biophysical properties (such as structural, functional, and spatial information, amino acid conservation, physicochemical variation, residue mobility, and thermodynamic stability) indicates that this missense variant is expected to disrupt WT1 protein function with a positive predictive value of 80%. In summary, the available evidence is currently insufficient to determine the role of this variant in disease. Therefore, it has been classified as a Variant of Uncertain Significance.

Ambry Genetics
Classification: Likely benign for Inborn genetic diseases. Last evaluated: 2024-08-21. Review status: criteria provided, single submitter. Criteria: Ambry Variant Classification Scheme 2023. Collection method: clinical testing. Allele origin: germline.

Baylor Genetics
Classification: Uncertain significance for Drash syndrome. Last evaluated: 2024-03-16. Review status: criteria provided, single submitter. Criteria: ACMG Guidelines, 2015. Collection method: clinical testing. Allele origin: unknown.

Fulgent Genetics
Classification: Uncertain significance for Aniridia 1; Frasier syndrome; Mesothelioma, malignant; Wilms tumor 1; 11p partial monosomy syndrome; Drash syndrome; Nephrotic syndrome, type 4; Meacham syndrome. Last evaluated: 2022-02-17. Review status: criteria provided, single submitter. Criteria: ACMG Guidelines, 2015. Collection method: clinical testing. Allele origin: unknown.

Baylor Genetics
Classification: Uncertain significance for Wilms tumor 1. Last evaluated: 2019-04-12. Review status: criteria provided, single submitter. Criteria: ACMG Guidelines, 2015. Collection method: clinical testing. Allele origin: maternal. Affected: yes.
Comment: This variant was determined to be of uncertain significance according to ACMG Guidelines, 2015 [PMID:25741868].